The following is an entry in ClinVar:

NM_006996.3(SLC19A2):c.98C>A (p.Pro33Gln)

Genes: SLC19A2 (solute carrier family 19 member 2; minus strand), LOC129931894 (ATAC-STARR-seq lymphoblastoid silent region 1546; plus strand). Cytogenetic location: 1q24.2.
Variant type: single nucleotide variant.
Coding change: c.98C>A on transcript NM_006996.3 (MANE Select); coding-DNA position 98, C replaced by A.
Protein change: p.Pro33Gln; replaces proline 33 with glutamine.
Molecular consequence: missense variant.
Genome position (GRCh38, 1-based): chr1:169,485,669, G>T on the plus strand (C>A on the coding strand, the complement: SLC19A2 is on the minus strand). VCF-style: chr1-169485669-G-T. GRCh37 (hg19) VCF-style: chr1-169454907-G-T.
Other names: c.98C>A, p.Pro33Gln (NM_001319667.1); short protein forms P33Q.
Identifiers: ClinVar variation 917418 (VCV000917418.4), dbSNP rs867455033, ClinGen allele CA343112308.
Genomic context (GRCh38, chr1:169,485,669, plus strand): 5'-AGGAAGGGCTCGGACGGCCTGAGGCTGGCGAAGAAGCCGTAGGCGCAGAGCAGCGCGGTC[G>T]GCAAGAACCAGCATTCGCGACGGACCCGAGCGGTCCGCAGGAGCACAGTGGCCGCCGCCG-3'
Protein context (NP_008927.1, residues 23-43): ARVRRECWFL[Pro33Gln]TALLCAYGFF

ClinVar aggregate classification (germline): Uncertain significance. Review status: criteria provided, multiple submitters, no conflicts (2 of 4 stars). 3 submissions from 3 submitters: Uncertain significance (3). Last evaluated 2024-05-20.

Conditions:
Monogenic diabetes. Identifiers: Orphanet 183625, MedGen C3888631, MONDO:0015967.
Megaloblastic anemia, thiamine-responsive, with diabetes mellitus and sensorineural deafness (TRMA). Also called: THIAMINE METABOLISM DYSFUNCTION SYNDROME 1 (MEGALOBLASTIC ANEMIA, DIABETES MELLITUS, AND DEAFNESS TYPE); ROGERS SYNDROME; THIAMINE-RESPONSIVE ANEMIA SYNDROME; THIAMINE-RESPONSIVE MYELODYSPLASIA; Thiamine-Responsive Megaloblastic Anemia Syndrome. Identifiers: Orphanet 49827, MedGen C0342287, MONDO:0009575, OMIM 249270.

Submissions (3):

Fulgent Genetics
Classification: Uncertain significance for Megaloblastic anemia, thiamine-responsive, with diabetes mellitus and sensorineural deafness. Last evaluated: 2024-05-20. Review status: criteria provided, single submitter. Criteria: ACMG Guidelines, 2015. Collection method: clinical testing. Allele origin: germline.

Labcorp Genetics (formerly Invitae), Labcorp
Classification: Uncertain significance. Last evaluated: 2022-04-09. Review status: criteria provided, single submitter. Criteria: Invitae Variant Classification Sherloc (09022015). Collection method: clinical testing. Allele origin: germline.
Comment: This sequence change replaces proline, which is neutral and non-polar, with glutamine, which is neutral and polar, at codon 33 of the SLC19A2 protein (p.Pro33Gln). This variant is not present in population databases (gnomAD no frequency). This variant has not been reported in the literature in individuals affected with SLC19A2-related conditions. ClinVar contains an entry for this variant (Variation ID: 917418). Algorithms developed to predict the effect of missense changes on protein structure and function are either unavailable or do not agree on the potential impact of this missense change (SIFT: "Tolerated"; PolyPhen-2: "Probably Damaging"; Align-GVGD: "Class C0"). In summary, the available evidence is currently insufficient to determine the role of this variant in disease. Therefore, it has been classified as a Variant of Uncertain Significance.

Personalized Diabetes Medicine Program, University of Maryland School of Medicine
Classification: Uncertain significance for Monogenic diabetes. Last evaluated: 2019-02-22. Review status: criteria provided, single submitter. Criteria: ACMG Guidelines, 2015. Collection method: research. Allele origin: unknown. Observed: 1 variant allele, 1 heterozygote.
Comment: ACMG criteria: PM2 = VUS; PP3 (REVEL 0.658 + 9 PP3 predictors= conflicting evidence, not using)